The following is an entry in ClinVar:

NM_006231.4(POLE):c.3657G>C (p.Lys1219Asn)

Gene: POLE (DNA polymerase epsilon, catalytic subunit; minus strand). Cytogenetic location: 12q24.33.
Variant type: single nucleotide variant.
Coding change: c.3657G>C on transcript NM_006231.4 (MANE Select); coding-DNA position 3657, G replaced by C.
Protein change: p.Lys1219Asn; replaces lysine 1219 with asparagine.
Molecular consequence: missense variant.
Genome position (GRCh38, 1-based): chr12:132,649,815, C>G on the plus strand (G>C on the coding strand, the complement: POLE is on the minus strand). VCF-style: chr12-132649815-C-G. GRCh37 (hg19) VCF-style: chr12-133226401-C-G.
Other names: short protein forms K1219N.
Identifiers: ClinVar variation 953276 (VCV000953276.9), dbSNP rs1593751325, ClinGen allele CA387386745.

ClinVar aggregate classification (germline): Uncertain significance (1 of 4 stars; one submission).

gnomAD v4.1: 1 of 1,614,162 alleles (0.000062%); highest among the groups gnomAD compares: Non-Finnish European, 0.000085%; no homozygotes.

Submission:

Labcorp Genetics (formerly Invitae), Labcorp
Classification: Uncertain significance. Last evaluated: 2020-07-07. Review status: criteria provided, single submitter. Criteria: Invitae Variant Classification Sherloc (09022015). Collection method: clinical testing. Allele origin: germline.
Comment: In summary, the available evidence is currently insufficient to determine the role of this variant in disease. Therefore, it has been classified as a Variant of Uncertain Significance. Algorithms developed to predict the effect of missense changes on protein structure and function (SIFT, PolyPhen-2, Align-GVGD) all suggest that this variant is likely to be tolerated, but these predictions have not been confirmed by published functional studies and their clinical significance is uncertain. This variant has not been reported in the literature in individuals with POLE-related conditions. This variant is not present in population databases (ExAC no frequency). This sequence change replaces lysine with asparagine at codon 1219 of the POLE protein (p.Lys1219Asn). The lysine residue is moderately conserved and there is a moderate physicochemical difference between lysine and asparagine.